The following is an entry in ClinVar:

NM_000488.4(SERPINC1):c.1239A>C (p.Glu413Asp)

Gene: SERPINC1 (serpin family C member 1; minus strand). Cytogenetic location: 1q25.1.
Variant type: single nucleotide variant.
Coding change: c.1239A>C on transcript NM_000488.4 (MANE Select); coding-DNA position 1239, A replaced by C.
Protein change: p.Glu413Asp; replaces glutamic acid 413 with aspartic acid.
Molecular consequence: missense variant.
Genome position (GRCh38, 1-based): chr1:173,904,045, T>G on the plus strand (A>C on the coding strand, the complement: SERPINC1 is on the minus strand). VCF-style: chr1-173904045-T-G. GRCh37 (hg19) VCF-style: chr1-173873183-T-G.
Other names: c.1095A>C, p.Glu365Asp (NM_001365052.2); c.1362A>C, p.Glu454Asp (NM_001386302.1); c.1320A>C, p.Glu440Asp (NM_001386303.1); c.1218A>C, p.Glu406Asp (NM_001386304.1); c.1182A>C, p.Glu394Asp (NM_001386305.1); c.1023A>C, p.Glu341Asp (NM_001386306.1); short protein forms E440D, E406D, E413D, E341D, E365D, E394D, E454D.
Identifiers: ClinVar variation 3711006 (VCV003711006.2).
Genomic context (GRCh38, chr1:173,904,045, plus strand): 5'-AGTCACCCTGTTGGGGTTTAGCGAACGGCCAGCAATCACAACAGCGGTACTTGCAGCTGC[T>G]TCACTGCCTTCTTCATTTACCTGCAGGTCACATGGGAAATAAAACTAAATTAGCCACTCT-3'
Protein context (NP_000479.1, residues 403-423): AFLEVNEEGS[Glu413Asp]AAASTAVVIA

ClinVar aggregate classification (germline): Uncertain significance (1 of 4 stars; one submission).

Conditions:
Hereditary antithrombin deficiency (AT3D). Also called: Antithrombin III deficiency; Thrombophilia due to antithrombin III deficiency; Reduced antithrombin III activity; Antithrombin deficiency. Identifiers: Orphanet 82, MedGen C0272375, MONDO:0013144, OMIM 613118, HP:0001976.

Submission:

Labcorp Genetics (formerly Invitae), Labcorp
Classification: Uncertain significance for Hereditary antithrombin deficiency. Last evaluated: 2024-04-03. Review status: criteria provided, single submitter. Criteria: Invitae Variant Classification Sherloc (09022015). Collection method: clinical testing. Allele origin: germline.
Comment: This sequence change replaces glutamic acid, which is acidic and polar, with aspartic acid, which is acidic and polar, at codon 413 of the SERPINC1 protein (p.Glu413Asp). This variant is not present in population databases (gnomAD no frequency). This variant has not been reported in the literature in individuals affected with SERPINC1-related conditions. Advanced modeling of protein sequence and biophysical properties (such as structural, functional, and spatial information, amino acid conservation, physicochemical variation, residue mobility, and thermodynamic stability) has been performed at Invitae for this missense variant, however the output from this modeling did not meet the statistical confidence thresholds required to predict the impact of this variant on SERPINC1 protein function. In summary, the available evidence is currently insufficient to determine the role of this variant in disease. Therefore, it has been classified as a Variant of Uncertain Significance.